The following is an entry in ClinVar:

ClinVar aggregate classification (germline): Likely benign. Review status: criteria provided, multiple submitters, no conflicts (2 of 4 stars). 2 submissions from 2 submitters: Likely benign (2). Last evaluated 2018-01-12.

Conditions:
Bardet-Biedl syndrome 15 (BBS15). Identifiers: Orphanet 110, MedGen C3150127, MONDO:0014443, OMIM 615992.

Allele frequency attached by ClinVar (database versions not stated): gnomAD 0.00084 and 0.00150; TOPMed 0.00097; gnomAD exomes 0.00266; 1000 Genomes Project 30x 0.00359; 1000 Genomes Project 0.00439.
gnomAD v4.1: 801 of 367,680 alleles (0.22%); highest among the groups gnomAD compares: South Asian, 1.9%; 13 homozygotes.

Submissions (2):

Illumina Laboratory Services, Illumina
Classification: Likely benign for Bardet-Biedl syndrome 15. Last evaluated: 2018-01-12. Review status: criteria provided, single submitter. Criteria: ICSL Variant Classification Criteria 13 December 2019. Collection method: clinical testing. Allele origin: germline.
Comment: This variant was observed in the ICSL laboratory as part of a predisposition screen in an ostensibly healthy population. It had not been previously curated by ICSL or reported in the Human Gene Mutation Database (HGMD: prior to June 1st, 2018), and was therefore a candidate for classification through an automated scoring system. Utilizing variant allele frequency, disease prevalence and penetrance estimates, and inheritance mode, an automated score was calculated to assess if this variant is too frequent to cause the disease. Based on the score and internal cut-off values, a variant classified as likely benign is not then subjected to further curation. The score for this variant resulted in a classification of likely benign for this disease.

Breakthrough Genomics
Classification: Likely benign. Review status: criteria provided, single submitter. Criteria: ACMG Guidelines, 2015. Collection method: not provided. Allele origin: germline. Inheritance: Autosomal recessive inheritance. Affected: yes.

NM_015910.7(WDPCP):c.*327G>A

Gene: WDPCP (WD repeat containing planar cell polarity effector; minus strand). Cytogenetic location: 2p15.
Variant type: single nucleotide variant.
Coding change: c.*327G>A on transcript NM_015910.7 (MANE Select); 327 bases downstream of the stop codon, G replaced by A.
Molecular consequence: 3 prime UTR variant. On other transcripts: non-coding transcript variant (3).
Genome position (GRCh38, 1-based): chr2:63,121,679, C>T on the plus strand (G>A on the coding strand, the complement: WDPCP is on the minus strand). VCF-style: chr2-63121679-C-T. GRCh37 (hg19) VCF-style: chr2-63348814-C-T.
Other names: c.*327G>A (NM_001042692.3, NM_001354044.2).
Identifiers: ClinVar variation 895794 (VCV000895794.5), dbSNP rs565212301, ClinGen allele CA49203731.